The following is an entry in ClinVar:

ClinVar aggregate classification (germline): Pathogenic (1 of 4 stars; one submission).

Conditions:
Hypohidrotic X-linked ectodermal dysplasia (XHED). Also called: ECTODERMAL DYSPLASIA 1; Ectodermal Dysplasia 1, Anhidrotic; ECTODERMAL DYSPLASIA 1, HYPOHIDROTIC/HAIR/TOOTH TYPE, X-LINKED; ECTODERMAL DYSPLASIA 1, HYPOHIDROTIC, X-LINKED; ECTODERMAL DYSPLASIA, HYPOHIDROTIC, 1; CST SYNDROME. Identifiers: Orphanet 181, Orphanet 238468, MedGen C0162359, MONDO:0010585, OMIM 305100.

Submission:

Labcorp Genetics (formerly Invitae), Labcorp
Classification: Pathogenic for Hypohidrotic X-linked ectodermal dysplasia. Last evaluated: 2022-07-06. Review status: criteria provided, single submitter. Criteria: Invitae Variant Classification Sherloc (09022015). Collection method: clinical testing. Allele origin: germline.
Comment: For these reasons, this variant has been classified as Pathogenic. Advanced modeling of protein sequence and biophysical properties (such as structural, functional, and spatial information, amino acid conservation, physicochemical variation, residue mobility, and thermodynamic stability) performed at Invitae indicates that this missense variant is expected to disrupt EDA protein function. This missense change has been observed in individuals with clinical features of hypohidrotic ectodermal dysplasia (PMID: 18231121, 27305980; Invitae). This variant is not present in population databases (gnomAD no frequency). This sequence change replaces methionine, which is neutral and non-polar, with isoleucine, which is neutral and non-polar, at codon 373 of the EDA protein (p.Met373Ile).

Literature cited by the submitters: PubMed 18231121; PubMed 27305980.

NM_001399.5(EDA):c.1119G>A (p.Met373Ile)

Gene: EDA (ectodysplasin A; plus strand). Cytogenetic location: Xq13.1.
Variant type: single nucleotide variant.
Coding change: c.1119G>A on transcript NM_001399.5 (MANE Select); coding-DNA position 1119, G replaced by A.
Protein change: p.Met373Ile; replaces methionine 373 with isoleucine.
Molecular consequence: missense variant.
Genome position (GRCh38, 1-based): chrX:70,035,552, G>A. VCF-style: chrX-70035552-G-A. GRCh37 (hg19) VCF-style: chrX-69255402-G-A.
Other names: c.1113G>A, p.Met371Ile (NM_001005609.2); c.1104G>A, p.Met368Ile (NM_001005612.3); short protein forms M373I, M368I, M371I.
Identifiers: ClinVar variation 2138598 (VCV002138598.4), dbSNP rs2520347265, ClinGen allele CA413450356.